The following is an entry in ClinVar:

ClinVar aggregate classification (germline): Uncertain significance. Review status: criteria provided, multiple submitters, no conflicts (2 of 4 stars). 2 submissions from 2 submitters: Uncertain significance (2). Last evaluated 2024-06-09.

Submissions (2):

GeneDx
Classification: Uncertain significance. Last evaluated: 2024-06-09. Review status: criteria provided, single submitter. Criteria: GeneDx Variant Classification Process June 2021. Collection method: clinical testing. Allele origin: germline. Affected: yes.
Comment: Not observed at significant frequency in large population cohorts (gnomAD); In silico analysis indicates that this missense variant does not alter protein structure/function; Has not been previously published as pathogenic or benign to our knowledge

Labcorp Genetics (formerly Invitae), Labcorp
Classification: Uncertain significance. Last evaluated: 2022-10-17. Review status: criteria provided, single submitter. Criteria: Invitae Variant Classification Sherloc (09022015). Collection method: clinical testing. Allele origin: germline.
Comment: This variant is not present in population databases (gnomAD no frequency). This variant has not been reported in the literature in individuals affected with KIF11-related conditions. Advanced modeling of protein sequence and biophysical properties (such as structural, functional, and spatial information, amino acid conservation, physicochemical variation, residue mobility, and thermodynamic stability) performed at Invitae indicates that this missense variant is not expected to disrupt KIF11 protein function. In summary, the available evidence is currently insufficient to determine the role of this variant in disease. Therefore, it has been classified as a Variant of Uncertain Significance. This sequence change replaces valine, which is neutral and non-polar, with isoleucine, which is neutral and non-polar, at codon 834 of the KIF11 protein (p.Val834Ile).

NM_004523.4(KIF11):c.2500G>A (p.Val834Ile)

Gene: KIF11 (kinesin family member 11; plus strand). Cytogenetic location: 10q23.33.
Variant type: single nucleotide variant.
Coding change: c.2500G>A on transcript NM_004523.4 (MANE Select); coding-DNA position 2500, G replaced by A.
Protein change: p.Val834Ile; replaces valine 834 with isoleucine.
Molecular consequence: missense variant.
Genome position (GRCh38, 1-based): chr10:92,645,595, G>A. VCF-style: chr10-92645595-G-A. GRCh37 (hg19) VCF-style: chr10-94405352-G-A.
Other names: c.2500G>A (NM_004523.3); short protein forms V834I.
Identifiers: ClinVar variation 1714537 (VCV001714537.6), dbSNP rs1844910189, ClinGen allele CA377594379.